The following is an entry in ClinVar:

NM_020433.5(JPH2):c.2010+5G>C

Gene: JPH2 (junctophilin 2; minus strand). Cytogenetic location: 20q13.12.
Variant type: single nucleotide variant.
Coding change: c.2010+5G>C on transcript NM_020433.5 (MANE Select); 5 bases into the intron after coding-DNA position 2010, G replaced by C.
Molecular consequence: intron variant.
Genome position (GRCh38, 1-based): chr20:44,115,660, C>G on the plus strand (G>C on the coding strand, the complement: JPH2 is on the minus strand). VCF-style: chr20-44115660-C-G. GRCh37 (hg19) VCF-style: chr20-42744300-C-G.
Identifiers: ClinVar variation 1784395 (VCV001784395.3), dbSNP rs2515717586, ClinGen allele CA2580098179.
Genomic context (GRCh38, chr20:44,115,660, plus strand): 5'-CCTCCCTCAAGCCCTGCTACCTCTAGGGAACCCGACCTTAGGCACACCTTGCCCGACAGC[C>G]TCACCTCTTCCACCTCCACCTCCGCCTCTGCCGCCAGTGCGGCCTCCTTCCGCGCCTTCT-3'

ClinVar aggregate classification (germline): Uncertain significance (1 of 4 stars; one submission).

Conditions:
Cardiovascular phenotype. Identifiers: MedGen CN230736.

Allele frequency attached by ClinVar (database versions not stated): gnomAD exomes below 0.00001.
gnomAD v4.1: 1 of 1,612,380 alleles (0.000062%); highest among the groups gnomAD compares: Non-Finnish European, 0.000085%; no homozygotes.

Submission:

Ambry Genetics
Classification: Uncertain significance for Cardiovascular phenotype. Last evaluated: 2026-08-21. Review status: criteria provided, single submitter. Criteria: Ambry Variant Classification Scheme 2023. Collection method: clinical testing. Allele origin: germline.
Comment: The c.2010+5G>C intronic variant results from a G to C substitution 5 nucleotides after coding exon 4 in the JPH2 gene. This nucleotide position is well conserved in available vertebrate species. In silico splice site analysis predicts that this alteration may weaken the native splice donor site and will result in the creation or strengthening of a novel splice donor site. Based on the available evidence, the clinical significance of this variant remains unclear.